The following is an entry in ClinVar:

ClinVar aggregate classification (germline): Uncertain significance (1 of 4 stars; one submission).

Conditions:
Wilson disease (WND). Also called: Wilson's disease. Identifiers: Orphanet 905, MedGen C0019202, MONDO:0010200, OMIM 277900. Disease mechanism: loss of function.

Submission:

Color Diagnostics, LLC DBA Color Health
Classification: Uncertain significance for Wilson disease. Last evaluated: 2025-10-02. Review status: criteria provided, single submitter. Criteria: ACMG Guidelines, 2015. Collection method: clinical testing. Allele origin: germline.
Comment: This missense variant replaces serine with glycine at codon 15 of the ATP7B protein. Computational prediction suggests that this variant may not impact protein structure and function. To our knowledge, functional studies have not been reported for this variant. This variant has not been reported in individuals affected with ATP7B-related disorders in the literature. This variant has not been identified in the general population by the Genome Aggregation Database (gnomAD). The available evidence is insufficient to determine the role of this variant in disease conclusively. Therefore, this variant is classified as a Variant of Uncertain Significance.

NM_000053.4(ATP7B):c.43A>G (p.Ser15Gly)

Gene: ATP7B (ATPase copper transporting beta; minus strand). Cytogenetic location: 13q14.3.
Variant type: single nucleotide variant.
Coding change: c.43A>G on transcript NM_000053.4 (MANE Select); coding-DNA position 43, A replaced by G.
Protein change: p.Ser15Gly; replaces serine 15 with glycine.
Molecular consequence: missense variant. On other transcripts: 5 prime UTR variant (3).
Genome position (GRCh38, 1-based): chr13:52,011,295, T>C on the plus strand (A>G on the coding strand, the complement: ATP7B is on the minus strand). VCF-style: chr13-52011295-T-C. GRCh37 (hg19) VCF-style: chr13-52585431-T-C.
Other names: c.43A>G, p.Ser15Gly (NM_001406541.1, NM_001406542.1, NM_001406545.1 and 30 more transcripts); c.-87A>G (NM_001406543.1, NM_001406539.1); c.-145A>G (NM_001406518.1); short protein forms S15G.
Identifiers: ClinVar variation 4758113 (VCV004758113.1).